The following is an entry in ClinVar:

ClinVar aggregate classification (germline): Uncertain significance (1 of 4 stars; one submission).

Allele frequency attached by ClinVar (database versions not stated): gnomAD exomes below 0.00001.
gnomAD v4.1: 3 of 1,614,188 alleles (0.00019%); highest among the groups gnomAD compares: Non-Finnish European, 0.00025%; no homozygotes.

Submission:

Labcorp Genetics (formerly Invitae), Labcorp
Classification: Uncertain significance. Last evaluated: 2025-12-12. Review status: criteria provided, single submitter. Criteria: Invitae Variant Classification Sherloc (09022015). Collection method: clinical testing. Allele origin: germline.
Comment: This sequence change replaces threonine, which is neutral and polar, with methionine, which is neutral and non-polar, at codon 551 of the CTNNB1 protein (p.Thr551Met). This variant is not present in population databases (gnomAD no frequency). This missense change has been observed in individual(s) with clinical features of CTNNB1-related conditions (PMID: 22495309, 35294868, 35982159, 35982160). ClinVar contains an entry for this variant (Variation ID: 2203344). Invitae Evidence Modeling of protein sequence and biophysical properties (such as structural, functional, and spatial information, amino acid conservation, physicochemical variation, residue mobility, and thermodynamic stability) indicates that this missense variant is not expected to disrupt CTNNB1 protein function with a negative predictive value of 80%. In summary, the available evidence is currently insufficient to determine the role of this variant in disease. Therefore, it has been classified as a Variant of Uncertain Significance.

Literature cited by the submitters: PubMed 22495309; PubMed 35294868; PubMed 35982159; PubMed 35982160.

NM_001904.4(CTNNB1):c.1652C>T (p.Thr551Met)

Genes: CTNNB1 (catenin beta 1; plus strand), LOC126806659 (BRD4-independent group 4 enhancer GRCh37_chr3:41274918-41276117; plus strand). Cytogenetic location: 3p22.1.
Variant type: single nucleotide variant.
Coding change: c.1652C>T on transcript NM_001904.4 (MANE Select); coding-DNA position 1652, C replaced by T.
Protein change: p.Thr551Met; replaces threonine 551 with methionine.
Molecular consequence: missense variant.
Genome position (GRCh38, 1-based): chr3:41,234,266, C>T. VCF-style: chr3-41234266-C-T. GRCh37 (hg19) VCF-style: chr3-41275757-C-T.
Other names: c.1652C>T, p.Thr551Met (NM_001098209.2, NM_001098210.2); c.1631C>T, p.Thr544Met (NM_001330729.2); short protein forms T544M, T551M.
Identifiers: ClinVar variation 2203344 (VCV002203344.4), dbSNP rs2078379068, ClinGen allele CA352234429.